The following is an entry in ClinVar:

NM_001127198.5(TMC6):c.892-3C>T

Gene: TMC6 (transmembrane channel like 6; minus strand). Cytogenetic location: 17q25.3.
Variant type: single nucleotide variant.
Coding change: c.892-3C>T on transcript NM_001127198.5 (MANE Select); 3 bases into the intron before coding-DNA position 892, C replaced by T.
Molecular consequence: intron variant.
Genome position (GRCh38, 1-based): chr17:78,124,182, G>A on the plus strand (C>T on the coding strand, the complement: TMC6 is on the minus strand). VCF-style: chr17-78124182-G-A. GRCh37 (hg19) VCF-style: chr17-76120263-G-A.
Other names: c.892-3C>T (NM_001374594.1, NM_001374596.1, NM_001374593.1 and 4 more transcripts).
Identifiers: ClinVar variation 1509206 (VCV001509206.6), dbSNP rs2145330632, ClinGen allele CA2573154884.
Genomic context (GRCh38, chr17:78,124,182, plus strand): 5'-GGTTCAGCGTGGCGTTACTGTAGTGGCCGTAGTACATGACGGTGTGGGTGAAGCAACCCT[G>A]CCACAGGGAGATCCAGCCGAGTCAGGGACTTTCCCCACGCCCCACCCGACCCTCAGGCCT-3'

ClinVar aggregate classification (germline): Uncertain significance (1 of 4 stars; one submission).

Conditions:
Epidermodysplasia verruciformis. Identifiers: Orphanet 302, MedGen C0014522, MONDO:0009176.

Submission:

Labcorp Genetics (formerly Invitae), Labcorp
Classification: Uncertain significance for Epidermodysplasia verruciformis. Last evaluated: 2021-08-23. Review status: criteria provided, single submitter. Criteria: Invitae Variant Classification Sherloc (09022015). Collection method: clinical testing. Allele origin: germline.
Comment: In summary, the available evidence is currently insufficient to determine the role of this variant in disease. Therefore, it has been classified as a Variant of Uncertain Significance. Variants that disrupt the consensus splice site are a relatively common cause of aberrant splicing (PMID: 17576681, 9536098). Algorithms developed to predict the effect of sequence changes on RNA splicing suggest that this variant may create or strengthen a splice site. This variant has not been reported in the literature in individuals affected with TMC6-related conditions. This variant is not present in population databases (ExAC no frequency). This sequence change falls in intron 8 of the TMC6 gene. It does not directly change the encoded amino acid sequence of the TMC6 protein. It affects a nucleotide within the consensus splice site of the intron.

Literature cited by the submitters: PubMed 17576681; PubMed 9536098.